The following is an entry in ClinVar:

ClinVar aggregate classification (germline): Uncertain significance (1 of 4 stars; one submission).

gnomAD v4.1: 4 of 1,496,908 alleles (0.00027%); highest among the groups gnomAD compares: South Asian, 0.0012%; no homozygotes.

Submission:

CeGaT Center for Human Genetics Tuebingen
Classification: Uncertain significance. Last evaluated: 2024-09-01. Review status: criteria provided, single submitter. Criteria: CeGaT Center For Human Genetics Tuebingen Variant Classification Criteria Version 2. Collection method: clinical testing. Allele origin: germline. Affected: yes. Observed: 1 variant allele.
Comment: CUL3: PP2

NM_003590.5(CUL3):c.59C>T (p.Ala20Val)

Genes: CUL3 (cullin 3; minus strand), LOC129935709 (ATAC-STARR-seq lymphoblastoid silent region 12382; plus strand). Cytogenetic location: 2q36.2.
Variant type: single nucleotide variant.
Coding change: c.59C>T on transcript NM_003590.5 (MANE Select); coding-DNA position 59, C replaced by T.
Protein change: p.Ala20Val; replaces alanine 20 with valine.
Molecular consequence: missense variant.
Genome position (GRCh38, 1-based): chr2:224,584,951, G>A on the plus strand (C>T on the coding strand, the complement: CUL3 is on the minus strand). VCF-style: chr2-224584951-G-A. GRCh37 (hg19) VCF-style: chr2-225449668-G-A.
Other names: c.59C>T, p.Ala20Val (NM_001257197.2); short protein forms A20V.
Identifiers: ClinVar variation 3389716 (VCV003389716.14).